The following is an entry in ClinVar:

NM_000539.3(RHO):c.*313C>T

Gene: RHO (rhodopsin; plus strand). Cytogenetic location: 3q22.1.
Variant type: single nucleotide variant.
Coding change: c.*313C>T on transcript NM_000539.3 (MANE Select); 313 bases downstream of the stop codon, C replaced by T.
Molecular consequence: 3 prime UTR variant.
Genome position (GRCh38, 1-based): chr3:129,534,031, C>T. VCF-style: chr3-129534031-C-T. GRCh37 (hg19) VCF-style: chr3-129252874-C-T.
Identifiers: ClinVar variation 343292 (VCV000343292.5), dbSNP rs55941599, ClinGen allele CA10615287.

ClinVar aggregate classification (germline): Benign. Review status: criteria provided, single submitter (1 of 4 stars). 2 submissions from 1 submitter: Benign (2). Last evaluated 2018-01-13.

Conditions:
Congenital stationary night blindness autosomal dominant 1. Also called: NIGHT BLINDNESS, CONGENITAL STATIONARY, RHODOPSIN-RELATED. Identifiers: Orphanet 215, MedGen C1864869, MONDO:0012498, OMIM 610445.
Retinitis pigmentosa (RP). Identifiers: Orphanet 791, MedGen C0035334, MeSH D012174, MONDO:0019200, OMIM 268000. Inheritance: Autosomal dominant, autosomal recessive and X linked inheritance.

Allele frequency attached by ClinVar (database versions not stated): 1000 Genomes Project 0.01538; 1000 Genomes Project 30x 0.01577; TOPMed 0.02313; gnomAD 0.02366 and 0.02393; gnomAD exomes 0.03052.
gnomAD v4.1: 9,875 of 358,378 alleles (2.8%); highest among the groups gnomAD compares: Non-Finnish European, 3.5%; 179 homozygotes.

Submissions (2):

Illumina Laboratory Services, Illumina
Classification: Benign for Retinitis pigmentosa. Last evaluated: 2018-01-13. Review status: criteria provided, single submitter. Criteria: ICSL Variant Classification Criteria 13 December 2019. Collection method: clinical testing. Allele origin: germline.
Comment: This variant was observed in the ICSL laboratory as part of a predisposition screen in an ostensibly healthy population. It had not been previously curated by ICSL or reported in the Human Gene Mutation Database (HGMD: prior to June 1st, 2018), and was therefore a candidate for classification through an automated scoring system. Utilizing variant allele frequency, disease prevalence and penetrance estimates, and inheritance mode, an automated score was calculated to assess if this variant is too frequent to cause the disease. Based on the score and internal cut-off values, a variant classified as benign is not then subjected to further curation. The score for this variant resulted in a classification of benign for this disease.

Illumina Laboratory Services, Illumina
Classification: Benign for Congenital stationary night blindness autosomal dominant 1. Last evaluated: 2018-01-13. Review status: criteria provided, single submitter. Criteria: ICSL Variant Classification Criteria 13 December 2019. Collection method: clinical testing. Allele origin: germline.
Comment: the same text as in the submission from Illumina Laboratory Services, Illumina above.